The following is an entry in ClinVar:

ClinVar aggregate classification (germline): Conflicting classifications of pathogenicity. Review status: criteria provided, conflicting classifications (1 of 4 stars). 7 submissions from 7 submitters: Uncertain significance (3); Benign (2); Likely benign (1). 1 of the submissions does not count toward it. Last evaluated 2026-02-01.

Conditions:
PCDH15-related disorder. Also called: PCDH15-related condition; PCDH15-related disorders.
Usher syndrome type 1 (USH1). Also called: RETINITIS PIGMENTOSA AND CONGENITAL DEAFNESS. Identifiers: Orphanet 231169, Orphanet 886, MedGen C1568247, MONDO:0010168, OMIM 276900.

Allele frequency attached by ClinVar (database versions not stated): gnomAD 0.00013 and 0.00037; ExAC 0.00018; TOPMed 0.00009; gnomAD exomes 0.00013 and 0.00085; 1000 Genomes Project 0.00220; 1000 Genomes Project 30x 0.00172.
gnomAD v4.1: 1,263 of 1,612,716 alleles (0.078%); highest among the groups gnomAD compares: East Asian, 2.8%; 34 homozygotes.

Submissions (7):

Labcorp Genetics (formerly Invitae), Labcorp
Classification: Likely benign. Last evaluated: 2026-02-01. Review status: criteria provided, single submitter. Criteria: Invitae Variant Classification Sherloc (09022015). Collection method: clinical testing. Allele origin: germline.

Blueprint Genetics
Classification: Benign. Last evaluated: 2024-10-03. Review status: criteria provided, single submitter. Criteria: ACMG Guidelines, 2015. Collection method: clinical testing. Allele origin: germline.

GeneDx
Classification: Uncertain significance. Last evaluated: 2021-06-02. Review status: criteria provided, single submitter. Criteria: GeneDx Variant Classification Process June 2021. Collection method: clinical testing. Allele origin: germline. Affected: yes.
Comment: In silico analysis, which includes protein predictors and evolutionary conservation, supports that this variant does not alter protein structure/function; Has not been previously published as pathogenic or benign to our knowledge; This variant is associated with the following publications: (PMID: 27535533)

Illumina Laboratory Services, Illumina
Classification: Uncertain significance for Usher syndrome type 1. Last evaluated: 2018-01-13. Review status: criteria provided, single submitter. Criteria: ICSL Variant Classification Criteria 13 December 2019. Collection method: clinical testing. Allele origin: germline.

Eurofins Ntd Llc (ga)
Classification: Uncertain significance. Last evaluated: 2015-07-14. Review status: criteria provided, single submitter. Criteria: EGL Classification Definitions 2015. Collection method: clinical testing. Allele origin: germline. Observed: 1 variant allele, 1 heterozygote.

Laboratory for Molecular Medicine, Mass General Brigham Personalized Medicine
Classification: Benign. Last evaluated: 2015-05-07. Review status: criteria provided, single submitter. Criteria: LMM Criteria. Collection method: clinical testing. Allele origin: germline. Observed: 2 variant alleles.
Comment: p.Pro1812Leu in exon 33 of PCDH15: This variant is not expected to have clinical significance because it has been identified in 5.3% (11/208) of Japanese chromo somes by the 1000 Genomes Project and 0.3% (19/7292) of East Asian chromosomes b y the Exome Aggregation Consortium (ExAC; dbSNP rs139668636).

PreventionGenetics, part of Exact Sciences
Classification: Likely benign for PCDH15-related condition. Last evaluated: 2022-12-23. Review status: no assertion criteria provided. Collection method: clinical testing. Allele origin: germline. Not counted in ClinVar's aggregate classification.
Comment: This variant is classified as likely benign based on ACMG/AMP sequence variant interpretation guidelines (Richards et al. 2015 PMID: 25741868, with internal and published modifications).

NM_033056.4(PCDH15):c.5435C>T (p.Pro1812Leu)

Gene: PCDH15 (protocadherin related 15; minus strand). Cytogenetic location: 10q21.1.
Variant type: single nucleotide variant.
Coding change: c.5435C>T on transcript NM_033056.4 (MANE Plus Clinical); coding-DNA position 5435, C replaced by T.
Protein change: p.Pro1812Leu; replaces proline 1812 with leucine.
Molecular consequence: missense variant. On other transcripts: intron variant (8).
Genome position (GRCh38, 1-based): chr10:53,822,291, G>A on the plus strand (C>T on the coding strand, the complement: PCDH15 is on the minus strand). VCF-style: chr10-53822291-G-A. GRCh37 (hg19) VCF-style: chr10-55582051-G-A.
Other names: c.5456C>T, p.Pro1819Leu (NM_001142763.2); c.5441C>T, p.Pro1814Leu (NM_001142764.2); c.5228C>T, p.Pro1743Leu (NM_001142765.2); c.5426C>T, p.Pro1809Leu (NM_001142766.2); c.5315C>T, p.Pro1772Leu (NM_001142767.2); c.5375C>T, p.Pro1792Leu (NM_001142768.2); c.5366C>T, p.Pro1789Leu (NM_001142773.2); c.5369C>T, p.Pro1790Leu (NM_001354404.2); and 7 more; short protein forms P1812L, P1743L, P1772L, P1789L, P1790L, P1809L, P1814L, P1792L.
Identifiers: ClinVar variation 227011 (VCV000227011.29), dbSNP rs139668636, ClinGen allele CA5505035.